The following is an entry in ClinVar:

NM_000742.4(CHRNA2):c.1354G>T (p.Glu452Ter)

Gene: CHRNA2 (cholinergic receptor nicotinic alpha 2 subunit; minus strand). Cytogenetic location: 8p21.2.
Variant type: single nucleotide variant.
Coding change: c.1354G>T on transcript NM_000742.4 (MANE Select); coding-DNA position 1354, G replaced by T.
Protein change: p.Glu452Ter; replaces glutamic acid 452 with a stop codon.
Molecular consequence: nonsense.
Genome position (GRCh38, 1-based): chr8:27,463,089, C>A on the plus strand (G>T on the coding strand, the complement: CHRNA2 is on the minus strand). VCF-style: chr8-27463089-C-A. GRCh37 (hg19) VCF-style: chr8-27320606-C-A.
Other names: c.1309G>T, p.Glu437Ter (NM_001282455.2); c.877G>T, p.Glu293Ter (NM_001347705.2, NM_001347706.2); c.760G>T, p.Glu254Ter (NM_001347707.2, NM_001347708.2); short protein forms E437*, E254*, E293*, E452*.
Identifiers: ClinVar variation 641342 (VCV000641342.9), dbSNP rs778197366, ClinGen allele CA4689474.

ClinVar aggregate classification (germline): Uncertain significance. Review status: criteria provided, multiple submitters, no conflicts (2 of 4 stars). 2 submissions from 2 submitters: Uncertain significance (2). Last evaluated 2024-09-15.

Conditions:
Familial sleep-related hypermotor epilepsy. Also called: Autosomal Dominant Sleep-Related Hypermotor (Hyperkinetic) Epilepsy. Identifiers: Orphanet 98784, MedGen C3696898, MONDO:0000030.
Autosomal dominant nocturnal frontal lobe epilepsy 4. Also called: EPILEPSY, FAMILIAL, WITH NOCTURNAL WANDERING AND ICTAL FEAR; CHRNA2-Related Nocturnal Frontal Lobe Epilepsy, Autosomal Dominant. Identifiers: Orphanet 98784, MedGen C1835905, MONDO:0012474, OMIM 610353.

Allele frequency attached by ClinVar (database versions not stated): gnomAD exomes below 0.00001; ExAC 0.00001.
gnomAD v4.1: 2 of 1,612,732 alleles (0.00012%); highest among the groups gnomAD compares: Non-Finnish European, 0.00017%; no homozygotes.

Submissions (2):

Labcorp Genetics (formerly Invitae), Labcorp
Classification: Uncertain significance. Last evaluated: 2024-09-15. Review status: criteria provided, single submitter. Criteria: Invitae Variant Classification Sherloc (09022015). Collection method: clinical testing. Allele origin: germline.
Comment: This sequence change creates a premature translational stop signal (p.Glu452*) in the CHRNA2 gene. It is expected to result in an absent or disrupted protein product. However, the current clinical and genetic evidence is not sufficient to establish whether loss-of-function variants in CHRNA2 cause disease. This variant is present in population databases (rs778197366, gnomAD 0.003%). This variant has not been reported in the literature in individuals affected with CHRNA2-related conditions. ClinVar contains an entry for this variant (Variation ID: 641342). Algorithms developed to predict the effect of sequence changes on RNA splicing suggest that this variant may disrupt the consensus splice site. In summary, the available evidence is currently insufficient to determine the role of this variant in disease. Therefore, it has been classified as a Variant of Uncertain Significance.

Illumina Laboratory Services, Illumina
Classification: Uncertain significance for Autosomal dominant nocturnal frontal lobe epilepsy 4. Last evaluated: 2019-05-13. Review status: criteria provided, single submitter. Criteria: ICSLVariantClassificationCriteria RUGD 01 April 2020. Collection method: clinical testing. Allele origin: unknown.
Comment: The CHRNA2 c.1354G>T (p.Glu452Ter) variant is a stop-gained variant that is predicted to result in premature truncation of the protein. A literature search was performed for the gene, cDNA change, and amino acid change. No publications were found based on this search. This variant is reported at a frequency of 0.000033 in the South Asian population of the Genome Aggregation Database but this is based on one allele in a region of good sequence coverage so the variant is presumed to be rare. Based on the limited evidence, the p.Glu452Ter variant is classified as a variant of uncertain significance for nocturnal frontal lobe epilepsy.